The following is an entry in ClinVar:

ClinVar aggregate classification (germline): Uncertain significance (1 of 4 stars; one submission).

Conditions:
Renal cell carcinoma. Identifiers: Orphanet 217071, MedGen C0007134, MeSH D002292, MONDO:0005086, HP:0005584.

Submission:

Labcorp Genetics (formerly Invitae), Labcorp
Classification: Uncertain significance for Renal cell carcinoma. Last evaluated: 2023-05-08. Review status: criteria provided, single submitter. Criteria: Invitae Variant Classification Sherloc (09022015). Collection method: clinical testing. Allele origin: germline.
Comment: In summary, the available evidence is currently insufficient to determine the role of this variant in disease. Therefore, it has been classified as a Variant of Uncertain Significance. This variant is not present in population databases (gnomAD no frequency). This sequence change replaces cysteine, which is neutral and slightly polar, with glycine, which is neutral and non-polar, at codon 282 of the MET protein (p.Cys282Gly). This variant has not been reported in the literature in individuals affected with MET-related conditions. Advanced modeling of protein sequence and biophysical properties (such as structural, functional, and spatial information, amino acid conservation, physicochemical variation, residue mobility, and thermodynamic stability) performed at Invitae indicates that this missense variant is expected to disrupt MET protein function.

NM_000245.4(MET):c.844T>G (p.Cys282Gly)

Gene: MET (MET proto-oncogene, receptor tyrosine kinase; plus strand). Cytogenetic location: 7q31.2.
Variant type: single nucleotide variant.
Coding change: c.844T>G on transcript NM_000245.4 (MANE Select); coding-DNA position 844, T replaced by G.
Protein change: p.Cys282Gly; replaces cysteine 282 with glycine.
Molecular consequence: missense variant. On other transcripts: intron variant (1).
Genome position (GRCh38, 1-based): chr7:116,699,928, T>G. VCF-style: chr7-116699928-T-G. GRCh37 (hg19) VCF-style: chr7-116339982-T-G.
Other names: c.844T>G, p.Cys282Gly (NM_001127500.3, NM_001324401.3); c.-91+27351T>G (NM_001324402.2); short protein forms C282G.
Identifiers: ClinVar variation 2855441 (VCV002855441.3), dbSNP rs2116599352, ClinGen allele CA368969976.